The following is an entry in ClinVar:

ClinVar aggregate classification (germline): Uncertain significance (1 of 4 stars; one submission).

Conditions:
Neurodegeneration with brain iron accumulation 5 (NBIA5). Also called: Beta-propeller protein-associated neurodegeneration; STATIC ENCEPHALOPATHY OF CHILDHOOD WITH NEURODEGENERATION IN ADULTHOOD. Identifiers: Orphanet 329284, MedGen C3550973, MONDO:0010476, OMIM 300894.

Submission:

Labcorp Genetics (formerly Invitae), Labcorp
Classification: Uncertain significance for Neurodegeneration with brain iron accumulation 5. Last evaluated: 2022-04-03. Review status: criteria provided, single submitter. Criteria: Invitae Variant Classification Sherloc (09022015). Collection method: clinical testing. Allele origin: germline.
Comment: In summary, the available evidence is currently insufficient to determine the role of this variant in disease. Therefore, it has been classified as a Variant of Uncertain Significance. This variant has not been reported in the literature in individuals affected with WDR45-related conditions. This variant is not present in population databases (gnomAD no frequency). This sequence change replaces methionine, which is neutral and non-polar, with threonine, which is neutral and polar, at codon 56 of the WDR45 protein (p.Met56Thr). Algorithms developed to predict the effect of missense changes on protein structure and function are either unavailable or do not agree on the potential impact of this missense change (SIFT: "Deleterious"; PolyPhen-2: "Possibly Damaging"; Align-GVGD: "Class C0").

NM_001029896.2(WDR45):c.167T>C (p.Met56Thr)

Genes: WDR45 (WD repeat domain 45; minus strand), LOC126863256 (BRD4-independent group 4 enhancer GRCh37_chrX:48934848-48936047; plus strand). Cytogenetic location: Xp11.23.
Variant type: single nucleotide variant.
Coding change: c.167T>C on transcript NM_001029896.2 (MANE Select); coding-DNA position 167, T replaced by C.
Protein change: p.Met56Thr; replaces methionine 56 with threonine.
Molecular consequence: missense variant.
Genome position (GRCh38, 1-based): chrX:49,077,711, A>G on the plus strand (T>C on the coding strand, the complement: WDR45 is on the minus strand). VCF-style: chrX-49077711-A-G. GRCh37 (hg19) VCF-style: chrX-48935370-A-G.
Other names: c.167T>C, p.Met56Thr (NM_007075.4); short protein forms M56T.
Identifiers: ClinVar variation 2121188 (VCV002121188.4), dbSNP rs2520266319, ClinGen allele CA412949184.